The following is an entry in ClinVar:

NM_001065.4(TNFRSF1A):c.339G>A (p.Glu113=)

Gene: TNFRSF1A (TNF receptor superfamily member 1A; minus strand). Cytogenetic location: 12p13.31.
Variant type: single nucleotide variant.
Coding change: c.339G>A on transcript NM_001065.4 (MANE Select); coding-DNA position 339, G replaced by A.
Protein change: p.Glu113=; no amino-acid change (glutamic acid 113 retained).
Molecular consequence: synonymous variant. On other transcripts: 5 prime UTR variant (1), non-coding transcript variant (1).
Genome position (GRCh38, 1-based): chr12:6,333,500, C>T on the plus strand (G>A on the coding strand, the complement: TNFRSF1A is on the minus strand). VCF-style: chr12-6333500-C-T. GRCh37 (hg19) VCF-style: chr12-6442666-C-T.
Other names: p.E113E:GAG>GAA; c.15G>A, p.Glu5= (NM_001346091.2); c.-239G>A (NM_001346092.2).
Identifiers: ClinVar variation 137682 (VCV000137682.11), dbSNP rs587780965, ClinGen allele CA291339.

ClinVar aggregate classification (germline): Conflicting classifications of pathogenicity. Review status: criteria provided, conflicting classifications (1 of 4 stars). 3 submissions from 3 submitters: Uncertain significance (1); Benign (1); Likely benign (1). Last evaluated 2024-07-23.

Conditions:
Autoinflammatory syndrome. Identifiers: Orphanet 93665, MedGen C3890737, MONDO:0019751.
TNF receptor-associated periodic fever syndrome (TRAPS) (FPF). Also called: Autosomal Dominant Familial Periodic Fever; TNF RECEPTOR-ASSOCIATED PERIODIC SYNDROME; TUMOR NECROSIS FACTOR RECEPTOR-ASSOCIATED PERIODIC SYNDROME; TNF Receptor-Associated Periodic Fever Syndrome; FAMILIAL HIBERNIAN FEVER; TNF receptor 1-associated periodic fever syndrome. Identifiers: Orphanet 32960, MedGen C1275126, MONDO:0007727, OMIM 142680.

Allele frequency attached by ClinVar (database versions not stated): ExAC 0.00003; TOPMed 0.00005; gnomAD exomes 0.00003 and 0.00001.

Submissions (3):

Labcorp Genetics (formerly Invitae), Labcorp
Classification: Likely benign for TNF receptor-associated periodic fever syndrome (TRAPS). Last evaluated: 2024-07-23. Review status: criteria provided, single submitter. Criteria: Invitae Variant Classification Sherloc (09022015). Collection method: clinical testing. Allele origin: germline.

Genome Diagnostics Laboratory, The Hospital for Sick Children
Classification: Uncertain significance for Autoinflammatory syndrome. Last evaluated: 2021-02-25. Review status: criteria provided, single submitter. Criteria: ACMG Guidelines, 2015. Collection method: clinical testing. Allele origin: germline. Affected: yes.

GeneDx
Classification: Benign. Last evaluated: 2012-12-27. Review status: criteria provided, single submitter. Criteria: GeneDx Variant Classification (06012015). Collection method: clinical testing. Allele origin: germline. Affected: yes.
Comment: This variant is considered likely benign or benign based on one or more of the following criteria: it is a conservative change, it occurs at a poorly conserved position in the protein, it is predicted to be benign by multiple in silico algorithms, and/or has population frequency not consistent with disease.